The following is an entry in ClinVar:

NM_004655.4(AXIN2):c.1927G>A (p.Ala643Thr)

Gene: AXIN2 (axin 2; minus strand). Cytogenetic location: 17q24.1.
Variant type: single nucleotide variant.
Coding change: c.1927G>A on transcript NM_004655.4 (MANE Select); coding-DNA position 1927, G replaced by A.
Protein change: p.Ala643Thr; replaces alanine 643 with threonine.
Molecular consequence: missense variant.
Genome position (GRCh38, 1-based): chr17:65,536,534, C>T on the plus strand (G>A on the coding strand, the complement: AXIN2 is on the minus strand). VCF-style: chr17-65536534-C-T. GRCh37 (hg19) VCF-style: chr17-63532652-C-T.
Other names: c.1732G>A, p.Ala578Thr (NM_001363813.1); short protein forms A578T, A643T.
Identifiers: ClinVar variation 1713896 (VCV001713896.7), dbSNP rs748005374, ClinGen allele CA400676316.

ClinVar aggregate classification (germline): Uncertain significance. Review status: criteria provided, multiple submitters, no conflicts (2 of 4 stars). 3 submissions from 3 submitters: Uncertain significance (3). Last evaluated 2026-05-15.

Conditions:
Hereditary cancer-predisposing syndrome. Also called: Hereditary Cancer Syndrome; Neoplastic Syndromes, Hereditary; Hereditary neoplastic syndrome; Tumor predisposition. Identifiers: Orphanet 140162, MedGen C0027672, MeSH D009386, MONDO:0015356.
Oligodontia-cancer predisposition syndrome. Also called: TOOTH AGENESIS-COLORECTAL CANCER SYNDROME. Identifiers: Orphanet 300576, MedGen C1837750, MONDO:0012075, OMIM 608615. Disease mechanism: loss of function.

gnomAD v4.1: 1 of 1,613,746 alleles (0.000062%); no homozygotes.

Submissions (3):

Ambry Genetics
Classification: Uncertain significance for Hereditary cancer-predisposing syndrome. Last evaluated: 2026-05-15. Review status: criteria provided, single submitter. Criteria: Ambry Variant Classification Scheme 2023. Collection method: clinical testing. Allele origin: germline.
Comment: The p.A643T variant (also known as c.1927G>A), located in coding exon 7 of the AXIN2 gene, results from a G to A substitution at nucleotide position 1927. The alanine at codon 643 is replaced by threonine, an amino acid with similar properties. This amino acid position is conserved. In addition, this alteration is predicted to be tolerated by in silico analysis. Based on the available evidence, the clinical significance of this variant remains unclear.

Labcorp Genetics (formerly Invitae), Labcorp
Classification: Uncertain significance for Oligodontia-cancer predisposition syndrome. Last evaluated: 2024-09-22. Review status: criteria provided, single submitter. Criteria: Invitae Variant Classification Sherloc (09022015). Collection method: clinical testing. Allele origin: germline.
Comment: This sequence change replaces alanine, which is neutral and non-polar, with threonine, which is neutral and polar, at codon 643 of the AXIN2 protein (p.Ala643Thr). This variant is not present in population databases (gnomAD no frequency). This variant has not been reported in the literature in individuals affected with AXIN2-related conditions. ClinVar contains an entry for this variant (Variation ID: 1713896). Invitae Evidence Modeling of protein sequence and biophysical properties (such as structural, functional, and spatial information, amino acid conservation, physicochemical variation, residue mobility, and thermodynamic stability) indicates that this missense variant is not expected to disrupt AXIN2 protein function with a negative predictive value of 80%. In summary, the available evidence is currently insufficient to determine the role of this variant in disease. Therefore, it has been classified as a Variant of Uncertain Significance.

GeneDx
Classification: Uncertain significance. Last evaluated: 2022-11-30. Review status: criteria provided, single submitter. Criteria: GeneDx Variant Classification Process June 2021. Collection method: clinical testing. Allele origin: germline. Affected: yes.
Comment: Not observed at significant frequency in large population cohorts (gnomAD); In silico analysis supports that this missense variant does not alter protein structure/function; Has not been previously published as pathogenic or benign to our knowledge; This variant is associated with the following publications: (PMID: 15735151)